The following is an entry in ClinVar:

ClinVar aggregate classification (germline): Conflicting classifications of pathogenicity. Review status: criteria provided, conflicting classifications (1 of 4 stars). 2 submissions from 2 submitters: Uncertain significance (1); Likely benign (1). Last evaluated 2025-07-07.

Allele frequency attached by ClinVar (database versions not stated): gnomAD 0.00005; ExAC 0.00006; gnomAD exomes 0.00006 and 0.00008; TOPMed 0.00007.
gnomAD v4.1: 126 of 1,613,604 alleles (0.0078%); highest among the groups gnomAD compares: Admixed American, 0.017%; no homozygotes.

Submissions (2):

Labcorp Genetics (formerly Invitae), Labcorp
Classification: Likely benign. Last evaluated: 2025-07-07. Review status: criteria provided, single submitter. Criteria: Invitae Variant Classification Sherloc (09022015). Collection method: clinical testing. Allele origin: germline.

Mayo Clinic Laboratories, Mayo Clinic
Classification: Uncertain significance. Last evaluated: 2025-06-06. Review status: criteria provided, single submitter. Criteria: ACMG Guidelines, 2015. Collection method: clinical testing. Allele origin: germline. Observed: 1 variant allele.
Comment: BP4_moderate

NM_001288705.3(CSF1R):c.431G>A (p.Arg144His)

Gene: CSF1R (colony stimulating factor 1 receptor; minus strand). Cytogenetic location: 5q32.
Variant type: single nucleotide variant.
Coding change: c.431G>A on transcript NM_001288705.3 (MANE Select); coding-DNA position 431, G replaced by A.
Protein change: p.Arg144His; replaces arginine 144 with histidine.
Molecular consequence: missense variant. On other transcripts: 5 prime UTR variant (1), non-coding transcript variant (2).
Genome position (GRCh38, 1-based): chr5:150,080,213, C>T on the plus strand (G>A on the coding strand, the complement: CSF1R is on the minus strand). VCF-style: chr5-150080213-C-T. GRCh37 (hg19) VCF-style: chr5-149459776-C-T.
Other names: p.Arg144His; c.431G>A, p.Arg144His (NM_001349736.2, NM_001375320.1, NM_005211.4); c.-14G>A (NM_001375321.1); c.431G>A (NM_005211.3); short protein forms R144H.
Identifiers: ClinVar variation 1359367 (VCV001359367.7), dbSNP rs765232439, ClinGen allele CA3507179.